The following is an entry in ClinVar:

NM_000350.3(ABCA4):c.121T>G (p.Trp41Gly)

Gene: ABCA4 (ATP binding cassette subfamily A member 4; minus strand). Cytogenetic location: 1p22.1.
Variant type: single nucleotide variant.
Coding change: c.121T>G on transcript NM_000350.3 (MANE Select); coding-DNA position 121, T replaced by G.
Protein change: p.Trp41Gly; replaces tryptophan 41 with glycine.
Molecular consequence: missense variant.
Genome position (GRCh38, 1-based): chr1:94,113,012, A>C on the plus strand (T>G on the coding strand, the complement: ABCA4 is on the minus strand). VCF-style: chr1-94113012-A-C. GRCh37 (hg19) VCF-style: chr1-94578568-A-C.
Other names: c.121T>G, p.Trp41Gly (NM_001425324.1); short protein forms W41G.
Identifiers: ClinVar variation 4691374 (VCV004691374.1).

ClinVar aggregate classification (germline): Uncertain significance (1 of 4 stars; one submission).

gnomAD v4.1: 4 of 1,614,184 alleles (0.00025%); highest among the groups gnomAD compares: Non-Finnish European, 0.00034%; no homozygotes.

Submission:

Labcorp Genetics (formerly Invitae), Labcorp
Classification: Uncertain significance. Last evaluated: 2025-08-09. Review status: criteria provided, single submitter. Criteria: Invitae Variant Classification Sherloc (09022015). Collection method: clinical testing. Allele origin: germline.
Comment: This sequence change replaces tryptophan, which is neutral and slightly polar, with glycine, which is neutral and non-polar, at codon 41 of the ABCA4 protein (p.Trp41Gly). This variant is not present in population databases (gnomAD no frequency). This variant has not been reported in the literature in individuals affected with ABCA4-related conditions. Invitae Evidence Modeling of protein sequence and biophysical properties (such as structural, functional, and spatial information, amino acid conservation, physicochemical variation, residue mobility, and thermodynamic stability) indicates that this missense variant is expected to disrupt ABCA4 protein function with a positive predictive value of 95%. In summary, the available evidence is currently insufficient to determine the role of this variant in disease. Therefore, it has been classified as a Variant of Uncertain Significance.